The following is an entry in ClinVar:

ClinVar aggregate classification (germline): Uncertain significance (1 of 4 stars; one submission).

Submission:

CeGaT Center for Human Genetics Tuebingen
Classification: Uncertain significance. Last evaluated: 2025-07-01. Review status: criteria provided, single submitter. Criteria: CeGaT Center For Human Genetics Tuebingen Variant Classification Criteria Version 2. Collection method: clinical testing. Allele origin: germline. Affected: yes. Observed: 1 variant allele.
Comment: GLIS3: PM2

NM_001042413.2(GLIS3):c.925T>C (p.Ser309Pro)

Gene: GLIS3 (GLIS family zinc finger 3; minus strand). Cytogenetic location: 9p24.2.
Variant type: single nucleotide variant.
Coding change: c.925T>C on transcript NM_001042413.2 (MANE Select); coding-DNA position 925, T replaced by C.
Protein change: p.Ser309Pro; replaces serine 309 with proline.
Molecular consequence: missense variant.
Genome position (GRCh38, 1-based): chr9:4,118,553, A>G on the plus strand (T>C on the coding strand, the complement: GLIS3 is on the minus strand). VCF-style: chr9-4118553-A-G. GRCh37 (hg19) VCF-style: chr9-4118553-A-G.
Other names: c.259T>C, p.Ser87Pro (NM_001438916.1, NM_001438911.1, NM_001438912.1); c.460T>C, p.Ser154Pro (NM_152629.4, NM_001438915.1, NM_001438909.1); c.925T>C, p.Ser309Pro (NM_001438913.1, NM_001438914.1, NM_001438906.1 and 2 more transcripts); short protein forms S154P, S309P, S87P.
Identifiers: ClinVar variation 4085590 (VCV004085590.8).